The following is an entry in ClinVar:

NM_001039591.3(USP9X):c.4604-7C>T

Gene: USP9X (ubiquitin specific peptidase 9 X-linked; plus strand). Cytogenetic location: Xp11.4.
Variant type: single nucleotide variant.
Coding change: c.4604-7C>T on transcript NM_001039591.3 (MANE Select); 7 bases into the intron before coding-DNA position 4604, C replaced by T.
Molecular consequence: intron variant.
Genome position (GRCh38, 1-based): chrX:41,201,053, C>T. VCF-style: chrX-41201053-C-T. GRCh37 (hg19) VCF-style: chrX-41060306-C-T.
Other names: c.4619-7C>T (NM_001410748.1, NM_001410749.1); c.4604-7C>T (NM_001039590.3).
Identifiers: ClinVar variation 2660330 (VCV002660330.24), dbSNP rs755726174, ClinGen allele CA10388911.

ClinVar aggregate classification (germline): Uncertain significance (1 of 4 stars; one submission).

Allele frequency attached by ClinVar (database versions not stated): gnomAD exomes below 0.00001; ExAC 0.00001.
gnomAD v4.1: 2 of 1,208,455 alleles (0.00017%); highest among the groups gnomAD compares: Non-Finnish European, 0.00022%; no homozygotes.

Submission:

CeGaT Center for Human Genetics Tuebingen
Classification: Uncertain significance. Last evaluated: 2023-06-01. Review status: criteria provided, single submitter. Criteria: CeGaT Center For Human Genetics Tuebingen Variant Classification Criteria Version 2. Collection method: clinical testing. Allele origin: germline. Affected: yes. Observed: 1 variant allele.
Comment: USP9X: PM2, BP4